The following is an entry in ClinVar:

ClinVar aggregate classification (germline): Uncertain significance (1 of 4 stars; one submission).

Conditions:
Hereditary sensory and autonomic neuropathy type 6. Also called: Neuropathy, hereditary sensory and autonomic, type VI; HSAN VI. Identifiers: Orphanet 314381, MedGen C3539003, MONDO:0013839, OMIM 614653.
Epidermolysis bullosa simplex 3, localized or generalized intermediate, with BP230 deficiency (EBS3). Also called: Epidermolysis bullosa simplex due to BP230 deficiency; Epidermolysis bullosa simplex, autosomal recessive 2. Identifiers: Orphanet 412181, MedGen C3809470, MONDO:0014180, OMIM 615425.

gnomAD v4.1: 1 of 1,613,846 alleles (0.000062%); highest among the groups gnomAD compares: Non-Finnish European, 0.000085%; no homozygotes.

Submission:

Labcorp Genetics (formerly Invitae), Labcorp
Classification: Uncertain significance for Epidermolysis bullosa simplex 3, localized or generalized intermediate, with BP230 deficiency; Hereditary sensory and autonomic neuropathy type 6. Last evaluated: 2020-07-13. Review status: criteria provided, single submitter. Criteria: Invitae Variant Classification Sherloc (09022015). Collection method: clinical testing. Allele origin: germline.
Comment: This sequence change replaces serine with asparagine at codon 3401 of the DST protein (p.Ser3401Asn). The serine residue is moderately conserved and there is a small physicochemical difference between the two amino acids. The DST gene has multiple clinically relevant transcripts. This variant occurs in alternate transcript NM_015548.4, and corresponds to NM_001723.5:c.*89098G>A in the primary transcript. This variant is not present in population databases (ExAC no frequency). This variant has not been reported in the literature in individuals with DST-related conditions. Experimental studies and prediction algorithms are not available or were not evaluated, and the functional significance of this variant is currently unknown. In summary, the available evidence is currently insufficient to determine the role of this variant in disease. Therefore, it has been classified as a Variant of Uncertain Significance.

NM_001374736.1(DST):c.18071G>A (p.Ser6024Asn)

Gene: DST (dystonin; minus strand). Cytogenetic location: 6p12.1.
Variant type: single nucleotide variant.
Coding change: c.18071G>A on transcript NM_001374736.1 (MANE Select); coding-DNA position 18071, G replaced by A.
Protein change: p.Ser6024Asn; replaces serine 6024 with asparagine.
Molecular consequence: missense variant.
Genome position (GRCh38, 1-based): chr6:56,526,419, C>T on the plus strand (G>A on the coding strand, the complement: DST is on the minus strand). VCF-style: chr6-56526419-C-T. GRCh37 (hg19) VCF-style: chr6-56391217-C-T.
Other names: c.11714G>A, p.Ser3905Asn (NM_001144769.5); c.11300G>A, p.Ser3767Asn (NM_001144770.2); c.18071G>A, p.Ser6024Asn (NM_001374722.1); c.17111G>A, p.Ser5704Asn (NM_001374729.1); c.10853G>A, p.Ser3618Asn (NM_001374730.1); c.18098G>A, p.Ser6033Asn (NM_001374734.1); c.11180G>A, p.Ser3727Asn (NM_001386100.1, NM_183380.4); c.10202G>A, p.Ser3401Asn (NM_015548.5); short protein forms S3401N, S3618N, S3727N, S3767N, S3905N, S5704N, S6024N, S6033N.
Identifiers: ClinVar variation 1053093 (VCV001053093.6), dbSNP rs2152505910, ClinGen allele CA364505694.